The following is an entry in ClinVar:

ClinVar aggregate classification (germline): Benign. Review status: criteria provided, multiple submitters, no conflicts (2 of 4 stars). 3 submissions from 3 submitters: Benign (3). Last evaluated 2026-02-04.

Submissions (5):

Labcorp Genetics (formerly Invitae), Labcorp
Classification: Benign. Last evaluated: 2026-02-04. Review status: criteria provided, single submitter. Criteria: Invitae Variant Classification Sherloc (09022015). Collection method: clinical testing. Allele origin: germline.

Mayo Clinic Laboratories, Mayo Clinic
Classification: Benign. Last evaluated: 2025-07-27. Review status: criteria provided, single submitter. Criteria: ACMG Guidelines, 2015. Collection method: clinical testing. Allele origin: germline. Observed: 1 variant allele.
Comment: BS1, BS2, BP4, BP7

Eurofins Ntd Llc (ga)
Classification: Benign. Last evaluated: 2014-09-03. Review status: criteria provided, single submitter. Criteria: EGL Classification Definitions 2015. Collection method: clinical testing. Allele origin: germline. Observed: 1 variant allele, 1 heterozygote.

Dr. Peter K. Rogan Lab, Western University
No classification provided (evidence only). Condition: Familial cancer of breast. Review status: no classification provided. Collection method: in vitro. Allele origin: not applicable. Functional consequence: retained intron. Not counted in ClinVar's aggregate classification.

Dr. Peter K. Rogan Lab, Western University
No classification provided (evidence only). Condition: Gastric cancer. Review status: no classification provided. Collection method: in vitro. Allele origin: not applicable. Functional consequence: retained intron. Not counted in ClinVar's aggregate classification.

NM_001366722.1(GRIP1):c.1355-10_1355-8del

Gene: GRIP1 (glutamate receptor interacting protein 1; minus strand). Cytogenetic location: 12q14.3.
Variant type: Deletion.
Coding change: c.1355-10_1355-8del on transcript NM_001366722.1 (MANE Select); 10 bases into the intron before coding-DNA position 1355 through 8 bases into the intron before coding-DNA position 1355, 3 bases deleted (GTT; older notation c.1355-10_1355-8delGTT).
Molecular consequence: intron variant.
Genome position (GRCh38, 1-based): chr12:66,445,516-66,445,518, AAC deleted on the plus strand (GTT on the coding strand, the reverse complement: GRIP1 is on the minus strand); deleting any 3 consecutive bases within chr12:66,445,516-66,445,520 gives the same sequence; the c. name uses the placement nearest the transcript's 3' end. VCF-style (leftmost placement, unchanged base first): chr12-66445515-GAAC-G. GRCh37 (hg19) VCF-style: chr12-66839295-GAAC-G.
Other names: NC_000012.11:g.66839298_66839300del; p.?; c.1355-12_1355-10del (NM_001366722.1); c.1274-10_1274-8del (NM_001366723.1); c.1277-10_1277-8del (NM_001366724.1); c.1199-10_1199-8del (NM_001178074.2, NM_021150.4).
Identifiers: ClinVar variation 193924 (VCV000193924.20), dbSNP rs148083271, ClinGen allele CA200851.